The following is an entry in ClinVar:

NM_017563.5(IL17RD):c.1656T>C (p.Phe552=)

Genes: IL17RD (interleukin 17 receptor D; minus strand), LOC126806689 (BRD4-independent group 4 enhancer GRCh37_chr3:57131244-57132443; plus strand). Cytogenetic location: 3p14.3.
Variant type: single nucleotide variant.
Coding change: c.1656T>C on transcript NM_017563.5 (MANE Select); coding-DNA position 1656, T replaced by C.
Protein change: p.Phe552=; no amino-acid change (phenylalanine 552 retained).
Molecular consequence: synonymous variant.
Genome position (GRCh38, 1-based): chr3:57,098,047, A>G on the plus strand (T>C on the coding strand, the complement: IL17RD is on the minus strand). VCF-style: chr3-57098047-A-G. GRCh37 (hg19) VCF-style: chr3-57132075-A-G.
Other names: c.1224T>C, p.Phe408= (NM_001318864.2).
Identifiers: ClinVar variation 731215 (VCV000731215.9), dbSNP rs116882985, ClinGen allele CA2462680.
Genomic context (GRCh38, chr3:57,098,047, plus strand): 5'-CAGTGGAGGAGGATGGAAGGGAACGAACTGCTTTTCGAACCAGTCGGGCTCCTCGTCAAT[A>G]AACTGGTGCATGTTGCAAATGGCGACGTATAGGGACCGGCCTGACTTGCTCCGGAAGTAG-3'
Protein context (NP_060033.3, residues 542-562): LYVAICNMHQ[Phe552=]IDEEPDWFEK

ClinVar aggregate classification (germline): Benign/Likely benign. Review status: criteria provided, multiple submitters, no conflicts (2 of 4 stars). 3 submissions from 3 submitters: Benign (1); Likely benign (1). 1 of the submissions does not count toward it. Last evaluated 2026-01-08.

Conditions:
IL17RD-related disorder. Also called: IL17RD-related condition.

Allele frequency attached by ClinVar (database versions not stated): gnomAD 0.00006; TOPMed 0.00030; 1000 Genomes Project 30x 0.00172; 1000 Genomes Project 0.00200.
gnomAD v4.1: 156 of 1,613,972 alleles (0.0097%); highest among the groups gnomAD compares: East Asian, 0.31%; 2 homozygotes.

Submissions (3):

Labcorp Genetics (formerly Invitae), Labcorp
Classification: Benign. Last evaluated: 2026-01-08. Review status: criteria provided, single submitter. Criteria: Invitae Variant Classification Sherloc (09022015). Collection method: clinical testing. Allele origin: germline.

Blueprint Genetics
Classification: Likely benign. Last evaluated: 2024-07-12. Review status: criteria provided, single submitter. Criteria: ACMG Guidelines, 2015. Collection method: clinical testing. Allele origin: germline.

PreventionGenetics, part of Exact Sciences
Classification: Likely benign for IL17RD-related condition. Last evaluated: 2023-07-28. Review status: no assertion criteria provided. Collection method: clinical testing. Allele origin: germline. Not counted in ClinVar's aggregate classification.
Comment: This variant is classified as likely benign based on ACMG/AMP sequence variant interpretation guidelines (Richards et al. 2015 PMID: 25741868, with internal and published modifications).